The following is an entry in ClinVar:

ClinVar aggregate classification (germline): Uncertain significance (1 of 4 stars; one submission).

Allele frequency attached by ClinVar (database versions not stated): TOPMed below 0.00001; ExAC 0.00001; gnomAD 0.00001.
gnomAD v4.1: 8 of 1,614,072 alleles (0.0005%); highest among the groups gnomAD compares: African/African-American, 0.0013%; no homozygotes.

Submission:

Labcorp Genetics (formerly Invitae), Labcorp
Classification: Uncertain significance. Last evaluated: 2022-07-14. Review status: criteria provided, single submitter. Criteria: Invitae Variant Classification Sherloc (09022015). Collection method: clinical testing. Allele origin: germline.
Comment: In summary, the available evidence is currently insufficient to determine the role of this variant in disease. Therefore, it has been classified as a Variant of Uncertain Significance. Algorithms developed to predict the effect of missense changes on protein structure and function (SIFT, PolyPhen-2, Align-GVGD) all suggest that this variant is likely to be tolerated. This variant has not been reported in the literature in individuals affected with NCSTN-related conditions. This variant is present in population databases (rs769100552, gnomAD 0.007%). This sequence change replaces isoleucine, which is neutral and non-polar, with valine, which is neutral and non-polar, at codon 180 of the NCSTN protein (p.Ile180Val).

NM_015331.3(NCSTN):c.538A>G (p.Ile180Val)

Gene: NCSTN (nicastrin; plus strand). Cytogenetic location: 1q23.2.
Variant type: single nucleotide variant.
Coding change: c.538A>G on transcript NM_015331.3 (MANE Select); coding-DNA position 538, A replaced by G.
Protein change: p.Ile180Val; replaces isoleucine 180 with valine.
Molecular consequence: missense variant.
Genome position (GRCh38, 1-based): chr1:160,350,206, A>G. VCF-style: chr1-160350206-A-G. GRCh37 (hg19) VCF-style: chr1-160319996-A-G.
Other names: c.478A>G, p.Ile160Val (NM_001290184.2); c.538A>G, p.Ile180Val (NM_001290186.2, NM_001349729.2); short protein forms I160V, I180V.
Identifiers: ClinVar variation 2004824 (VCV002004824.4), dbSNP rs769100552, ClinGen allele CA1198745.